The following is an entry in ClinVar:

ClinVar aggregate classification (germline): Conflicting classifications of pathogenicity. Review status: criteria provided, conflicting classifications (1 of 4 stars). 2 submissions from 2 submitters: Likely pathogenic (1); Uncertain significance (1). Last evaluated 2026-01-09.

Submissions (2):

Women's Health and Genetics/Laboratory Corporation of America, LabCorp
Classification: Uncertain significance. Last evaluated: 2026-01-09. Review status: criteria provided, single submitter. Criteria: LabCorp Variant Classification Summary - May 2015. Collection method: clinical testing. Allele origin: germline.
Comment: Variant summary: BCKDHB c.212T>G (p.Met71Arg) results in a non-conservative amino acid change in the encoded protein sequence. Algorithms developed to predict the effect of missense changes on protein structure and function all suggest that this variant is likely to be disruptive. The variant was absent in 251018 control chromosomes. The available data on variant occurrences in the general population are insufficient to allow any conclusion about variant significance. c.212T>G has been observed in cis with a VUS variant (whole allele in trans with a pathogenic variant) in at least 1 individual affected with clinical features of Maple Syrup Urine Disease (Kingsmore_2019, De La Vega_2021, Clark_2019) without strong evidence for causality. These report(s) do not provide unequivocal conclusions about association of the variant with Maple Syrup Urine Disease. To our knowledge, no experimental evidence demonstrating an impact on protein function has been reported. The following publications have been ascertained in the context of this evaluation (PMID: 34645491, 31564432, 31019026). ClinVar contains an entry for this variant (Variation ID: 1691426). Based on the evidence outlined above, the variant was classified as uncertain significance.

Mayo Clinic Laboratories, Mayo Clinic
Classification: Likely pathogenic. Last evaluated: 2021-07-14. Review status: criteria provided, single submitter. Criteria: ACMG Guidelines, 2015. Collection method: clinical testing. Allele origin: germline.
Comment: PM2, PM3, PP3, PP4

Literature cited by the submitters: PubMed 31019026 (cited by Women's Health and Genetics/Laboratory Corporation of America, LabCorp); PubMed 34645491 (cited by Women's Health and Genetics/Laboratory Corporation of America, LabCorp); PubMed 31564432 (cited by Women's Health and Genetics/Laboratory Corporation of America, LabCorp and Mayo Clinic Laboratories, Mayo Clinic).

NM_183050.4(BCKDHB):c.212T>G (p.Met71Arg)

Gene: BCKDHB (branched chain keto acid dehydrogenase E1 subunit beta; plus strand). Cytogenetic location: 6q14.1.
Variant type: single nucleotide variant.
Coding change: c.212T>G on transcript NM_183050.4 (MANE Select); coding-DNA position 212, T replaced by G.
Protein change: p.Met71Arg; replaces methionine 71 with arginine.
Molecular consequence: missense variant. On other transcripts: initiator codon variant (1), non-coding transcript variant (1).
Genome position (GRCh38, 1-based): chr6:80,127,562, T>G. VCF-style: chr6-80127562-T-G. GRCh37 (hg19) VCF-style: chr6-80837279-T-G.
Other names: p.Met71Arg; c.212T>G, p.Met71Arg (NM_000056.5); c.2T>G, p.Met1Arg (NM_001318975.1); short protein forms M1R, M71R.
Identifiers: ClinVar variation 1691426 (VCV001691426.9), dbSNP rs2127726114, ClinGen allele CA364658984.